The following is an entry in ClinVar:

ClinVar aggregate classification (germline): Uncertain significance (1 of 4 stars; one submission).

Conditions:
Jeune thoracic dystrophy. Also called: Short-rib thoracic dysplasia; Jeune syndrome; Infantile thoracic dystrophy; Thoracic pelvic phalangeal dystrophy; Jeune's syndrome; Chondroectodermal dysplasia-like syndrome. Identifiers: Orphanet 474, MedGen C0265275, MONDO:0018770.

Submission:

Labcorp Genetics (formerly Invitae), Labcorp
Classification: Uncertain significance for Jeune thoracic dystrophy. Last evaluated: 2022-08-16. Review status: criteria provided, single submitter. Criteria: Invitae Variant Classification Sherloc (09022015). Collection method: clinical testing. Allele origin: germline.
Comment: This variant has not been reported in the literature in individuals affected with IFT80-related conditions. In summary, the available evidence is currently insufficient to determine the role of this variant in disease. Therefore, it has been classified as a Variant of Uncertain Significance. Algorithms developed to predict the effect of missense changes on protein structure and function (SIFT, PolyPhen-2, Align-GVGD) all suggest that this variant is likely to be disruptive. This variant is not present in population databases (gnomAD no frequency). This sequence change replaces aspartic acid, which is acidic and polar, with glutamic acid, which is acidic and polar, at codon 209 of the IFT80 protein (p.Asp209Glu).

NM_020800.3(IFT80):c.627C>A (p.Asp209Glu)

Genes: IFT80 (intraflagellar transport 80; minus strand), TRIM59-IFT80 (TRIM59-IFT80 readthrough (NMD candidate); minus strand). Cytogenetic location: 3q25.33.
Variant type: single nucleotide variant.
Coding change: c.627C>A on transcript NM_020800.3 (MANE Select); coding-DNA position 627, C replaced by A.
Protein change: p.Asp209Glu; replaces aspartic acid 209 with glutamic acid.
Molecular consequence: missense variant. On other transcripts: non-coding transcript variant (3).
Genome position (GRCh38, 1-based): chr3:160,357,501, G>T on the plus strand (C>A on the coding strand, the complement: IFT80 is on the minus strand). VCF-style: chr3-160357501-G-T. GRCh37 (hg19) VCF-style: chr3-160075289-G-T.
Other names: c.216C>A, p.Asp72Glu (NM_001190241.2, NM_001190242.2); short protein forms D209E, D72E.
Identifiers: ClinVar variation 2152540 (VCV002152540.4), dbSNP rs2473426430, ClinGen allele CA355193003.